The following is an entry in ClinVar:

ClinVar aggregate classification (germline): Conflicting classifications of pathogenicity. Review status: criteria provided, conflicting classifications (1 of 4 stars). 4 submissions from 4 submitters: Uncertain significance (1); Likely benign (3). Last evaluated 2025-02-03.

Conditions:
Cardiovascular phenotype. Identifiers: MedGen CN230736.
Dilated cardiomyopathy 1JJ (CMD1JJ). Identifiers: Orphanet 154, MedGen C3808935, MONDO:0014095, OMIM 615235.
Cardiomyopathy (CMYO). Also called: Cardiomyopathies. Identifiers: Orphanet 167848, MedGen C0878544, MONDO:0004994, HP:0001638. Inheritance: Various modes of inheritance.

Allele frequency attached by ClinVar (database versions not stated): gnomAD exomes 0.00004; TOPMed 0.00004.
gnomAD v4.1: 69 of 1,613,796 alleles (0.0043%); highest among the groups gnomAD compares: Middle Eastern, 0.033%; no homozygotes.

Submissions (4):

Labcorp Genetics (formerly Invitae), Labcorp
Classification: Likely benign for Dilated cardiomyopathy 1JJ. Last evaluated: 2025-02-03. Review status: criteria provided, single submitter. Criteria: Invitae Variant Classification Sherloc (09022015). Collection method: clinical testing. Allele origin: germline.

Ambry Genetics
Classification: Likely benign for Cardiovascular phenotype. Last evaluated: 2020-03-05. Review status: criteria provided, single submitter. Criteria: Ambry Variant Classification Scheme 2023. Collection method: clinical testing. Allele origin: germline.

GeneDx
Classification: Likely benign. Last evaluated: 2017-11-13. Review status: criteria provided, single submitter. Criteria: GeneDx Variant Classification (06012015). Collection method: clinical testing. Allele origin: germline. Affected: yes.
Comment: This variant is considered likely benign or benign based on one or more of the following criteria: it is a conservative change, it occurs at a poorly conserved position in the protein, it is predicted to be benign by multiple in silico algorithms, and/or has population frequency not consistent with disease.

CHEO Genetics Diagnostic Laboratory, Children's Hospital of Eastern Ontario
Classification: Uncertain significance for Cardiomyopathy. Last evaluated: 2015-11-11. Review status: criteria provided, single submitter. Criteria: ACMG Guidelines, 2015. Collection method: clinical testing. Allele origin: germline. Study: Canadian Open Genetics Repository.

NM_001105206.3(LAMA4):c.1140C>T (p.His380=)

Gene: LAMA4 (laminin subunit alpha 4; minus strand). Cytogenetic location: 6q21.
Variant type: single nucleotide variant.
Coding change: c.1140C>T on transcript NM_001105206.3 (MANE Select); coding-DNA position 1140, C replaced by T.
Protein change: p.His380=; no amino-acid change (histidine 380 retained).
Molecular consequence: synonymous variant.
Genome position (GRCh38, 1-based): chr6:112,178,170, G>A on the plus strand (C>T on the coding strand, the complement: LAMA4 is on the minus strand). VCF-style: chr6-112178170-G-A. GRCh37 (hg19) VCF-style: chr6-112499372-G-A.
Other names: c.1119C>T (LRG_433t2); c.1119C>T, p.His373= (NM_001105207.3, NM_002290.5).
Identifiers: ClinVar variation 513329 (VCV000513329.12), dbSNP rs782378476, ClinGen allele CA3965851.